The following is an entry in ClinVar:

NM_018706.7(DHTKD1):c.2096A>G (p.His699Arg)

Gene: DHTKD1 (dehydrogenase E1 and transketolase domain containing 1; plus strand). Cytogenetic location: 10p14.
Variant type: single nucleotide variant.
Coding change: c.2096A>G on transcript NM_018706.7 (MANE Select); coding-DNA position 2096, A replaced by G.
Protein change: p.His699Arg; replaces histidine 699 with arginine.
Molecular consequence: missense variant.
Genome position (GRCh38, 1-based): chr10:12,107,957, A>G. VCF-style: chr10-12107957-A-G. GRCh37 (hg19) VCF-style: chr10-12149956-A-G.
Other names: p.His699Arg; c.2096A>G (NM_018706.6); short protein forms H699R.
Identifiers: ClinVar variation 2419711 (VCV002419711.9), dbSNP rs773572824, ClinGen allele CA5408131.

ClinVar aggregate classification (germline): Uncertain significance. Review status: criteria provided, multiple submitters, no conflicts (2 of 4 stars). 2 submissions from 2 submitters: Uncertain significance (2). Last evaluated 2024-04-17.

Conditions:
2-aminoadipic 2-oxoadipic aciduria (AAKAD). Also called: ALPHA-AMINOADIPIC AND ALPHA-KETOADIPIC ACIDURIA; Aminoadipic aciduria. Identifiers: Orphanet 79154, MedGen C1859817, MONDO:0008774, OMIM 204750.

Allele frequency attached by ClinVar (database versions not stated): gnomAD exomes below 0.00001; ExAC 0.00001; gnomAD 0.00001; TOPMed 0.00002.
gnomAD v4.1: 5 of 1,613,874 alleles (0.00031%); highest among the groups gnomAD compares: African/African-American, 0.0013%; no homozygotes.

Submissions (2):

Labcorp Genetics (formerly Invitae), Labcorp
Classification: Uncertain significance for 2-aminoadipic 2-oxoadipic aciduria. Last evaluated: 2024-04-17. Review status: criteria provided, single submitter. Criteria: Invitae Variant Classification Sherloc (09022015). Collection method: clinical testing. Allele origin: germline.
Comment: This sequence change replaces histidine, which is basic and polar, with arginine, which is basic and polar, at codon 699 of the DHTKD1 protein (p.His699Arg). This variant is present in population databases (rs773572824, gnomAD 0.004%). This variant has not been reported in the literature in individuals affected with DHTKD1-related conditions. ClinVar contains an entry for this variant (Variation ID: 2419711). Advanced modeling of protein sequence and biophysical properties (such as structural, functional, and spatial information, amino acid conservation, physicochemical variation, residue mobility, and thermodynamic stability) performed at Invitae indicates that this missense variant is expected to disrupt DHTKD1 protein function with a positive predictive value of 80%. In summary, the available evidence is currently insufficient to determine the role of this variant in disease. Therefore, it has been classified as a Variant of Uncertain Significance.

Mayo Clinic Laboratories, Mayo Clinic
Classification: Uncertain significance. Last evaluated: 2022-02-25. Review status: criteria provided, single submitter. Criteria: ACMG Guidelines, 2015. Collection method: clinical testing. Allele origin: germline. Observed: 1 variant allele.
Comment: PP3